The following is an entry in ClinVar:

ClinVar aggregate classification (germline): Uncertain significance (1 of 4 stars; one submission).

Conditions:
Sphingolipid activator protein 1 deficiency. Also called: METACHROMATIC LEUKODYSTROPHY DUE TO CEREBROSIDE SULFATASE ACTIVATOR DEFICIENCY; Metachromatic leukodystrophy due to saposin B deficiency; Saposin B Deficiency. Identifiers: Orphanet 512, MedGen C0268262, MONDO:0009590, OMIM 249900.

Allele frequency attached by ClinVar (database versions not stated): ESP Exome Variant Server 0.00009.

Submission:

Labcorp Genetics (formerly Invitae), Labcorp
Classification: Uncertain significance for Sphingolipid activator protein 1 deficiency. Last evaluated: 2022-06-13. Review status: criteria provided, single submitter. Criteria: Invitae Variant Classification Sherloc (09022015). Collection method: clinical testing. Allele origin: germline.
Comment: This sequence change affects codon 13 of the PSAP mRNA. It is a 'silent' change, meaning that it does not change the encoded amino acid sequence of the PSAP protein. It affects a nucleotide within the consensus splice site. This variant is present in population databases (rs369102577, gnomAD 0.01%). This variant has not been reported in the literature in individuals affected with PSAP-related conditions. Algorithms developed to predict the effect of sequence changes on RNA splicing suggest that this variant is not likely to affect RNA splicing. In summary, the available evidence is currently insufficient to determine the role of this variant in disease. Therefore, it has been classified as a Variant of Uncertain Significance.

NM_002778.4(PSAP):c.39G>T (p.Ala13=)

Gene: PSAP (prosaposin; minus strand). Cytogenetic location: 10q22.1.
Variant type: single nucleotide variant.
Coding change: c.39G>T on transcript NM_002778.4 (MANE Select); coding-DNA position 39, G replaced by T.
Protein change: p.Ala13=; no amino-acid change (alanine 13 retained).
Molecular consequence: synonymous variant.
Genome position (GRCh38, 1-based): chr10:71,851,183, C>A on the plus strand (G>T on the coding strand, the complement: PSAP is on the minus strand). VCF-style: chr10-71851183-C-A. GRCh37 (hg19) VCF-style: chr10-73610940-C-A.
Other names: c.39G>T, p.Ala13= (NM_001042465.3, NM_001042466.3).
Identifiers: ClinVar variation 1385344 (VCV001385344.5), dbSNP rs369102577, ClinGen allele CA209489392.